The following is an entry in ClinVar:

ClinVar aggregate classification (germline): Uncertain significance (1 of 4 stars; one submission).

Submission:

GeneDx
Classification: Uncertain significance. Last evaluated: 2026-04-07. Review status: criteria provided, single submitter. Criteria: GeneDx Variant Classification Process June 2021. Collection method: clinical testing. Allele origin: germline.
Comment: Not observed at significant frequency in large population cohorts (gnomAD); In silico analysis suggests that this missense variant does not alter protein structure/function; Has not been previously published as pathogenic or benign to our knowledge

NM_001127392.3(MYRF):c.3199T>G (p.Ser1067Ala)

Gene: MYRF (myelin regulatory factor; plus strand). Cytogenetic location: 11q12.2.
Variant type: single nucleotide variant.
Coding change: c.3199T>G on transcript NM_001127392.3 (MANE Select); coding-DNA position 3199, T replaced by G.
Protein change: p.Ser1067Ala; replaces serine 1067 with alanine.
Molecular consequence: missense variant.
Genome position (GRCh38, 1-based): chr11:61,784,284, T>G. VCF-style: chr11-61784284-T-G. GRCh37 (hg19) VCF-style: chr11-61551756-T-G.
Other names: c.3079T>G, p.Ser1027Ala (NM_013279.4); short protein forms S1027A, S1067A.
Identifiers: ClinVar variation 5018310 (VCV005018310.1).
Genomic context (GRCh38, chr11:61,784,284, plus strand): 5'-GCTGGGGTTGAGGGACTCTAGAACCTCATTTCTCTGCTAACTGGGCCTGTCTACAGCTCC[T>G]CCTCCCCCGTGTCTGTGGTGCTGTGCAGCCTGAGGTCAAAGGAGGAACCATGTGAGGAGG-3'
Protein context (NP_001120864.1, residues 1057-1077): HLSLTLQMNS[Ser1067Ala]SPVSVVLCSL